The following is an entry in ClinVar:

ClinVar aggregate classification (germline): Uncertain significance (1 of 4 stars; one submission).

Conditions:
Hereditary cancer-predisposing syndrome. Also called: Hereditary Cancer Syndrome; Hereditary neoplastic syndrome; Neoplastic Syndromes, Hereditary; Tumor predisposition. Identifiers: Orphanet 140162, MedGen C0027672, MeSH D009386, MONDO:0015356.

Submission:

Ambry Genetics
Classification: Uncertain significance for Hereditary cancer-predisposing syndrome. Last evaluated: 2026-09-02. Review status: criteria provided, single submitter. Criteria: Ambry Variant Classification Scheme 2023. Collection method: clinical testing. Allele origin: germline.
Comment: The p.R800P variant (also known as c.2399G>C), located in coding exon 15 of the CDH1 gene, results from a G to C substitution at nucleotide position 2399. The arginine at codon 800 is replaced by proline, an amino acid with dissimilar properties. This amino acid position is highly conserved in available vertebrate species. In addition, this alteration is predicted to be deleterious by in silico analysis. Based on the available evidence, the clinical significance of this variant remains unclear.

NM_004360.5(CDH1):c.2399G>C (p.Arg800Pro)

Gene: CDH1 (cadherin 1; plus strand). Cytogenetic location: 16q22.1.
Variant type: single nucleotide variant.
Coding change: c.2399G>C on transcript NM_004360.5 (MANE Select); coding-DNA position 2399, G replaced by C.
Protein change: p.Arg800Pro; replaces arginine 800 with proline.
Molecular consequence: missense variant.
Genome position (GRCh38, 1-based): chr16:68,829,757, G>C. VCF-style: chr16-68829757-G-C. GRCh37 (hg19) VCF-style: chr16-68863660-G-C.
Other names: c.2216G>C, p.Arg739Pro (NM_001317184.2); c.851G>C, p.Arg284Pro (NM_001317185.2); c.434G>C, p.Arg145Pro (NM_001317186.2); short protein forms R800P, R284P, R739P, R145P.
Identifiers: ClinVar variation 1790664 (VCV001790664.3), dbSNP rs370345996, ClinGen allele CA8130269.